The following is an entry in ClinVar:

ClinVar aggregate classification (germline): Uncertain significance (1 of 4 stars; one submission).

Allele frequency attached by ClinVar (database versions not stated): gnomAD exomes below 0.00001.

Submission:

Labcorp Genetics (formerly Invitae), Labcorp
Classification: Uncertain significance. Last evaluated: 2022-07-06. Review status: criteria provided, single submitter. Criteria: Invitae Variant Classification Sherloc (09022015). Collection method: clinical testing. Allele origin: germline.
Comment: This sequence change replaces glycine, which is neutral and non-polar, with aspartic acid, which is acidic and polar, at codon 311 of the KCNV2 protein (p.Gly311Asp). In summary, the available evidence is currently insufficient to determine the role of this variant in disease. Therefore, it has been classified as a Variant of Uncertain Significance. Advanced modeling of protein sequence and biophysical properties (such as structural, functional, and spatial information, amino acid conservation, physicochemical variation, residue mobility, and thermodynamic stability) performed at Invitae indicates that this missense variant is not expected to disrupt KCNV2 protein function. ClinVar contains an entry for this variant (Variation ID: 862202). This variant has not been reported in the literature in individuals affected with KCNV2-related conditions. This variant is present in population databases (no rsID available, gnomAD 0.0009%).

NM_133497.4(KCNV2):c.932G>A (p.Gly311Asp)

Gene: KCNV2 (potassium voltage-gated channel modifier subfamily V member 2; plus strand). Cytogenetic location: 9p24.2.
Variant type: single nucleotide variant.
Coding change: c.932G>A on transcript NM_133497.4 (MANE Select); coding-DNA position 932, G replaced by A.
Protein change: p.Gly311Asp; replaces glycine 311 with aspartic acid.
Molecular consequence: missense variant.
Genome position (GRCh38, 1-based): chr9:2,718,671, G>A. VCF-style: chr9-2718671-G-A. GRCh37 (hg19) VCF-style: chr9-2718671-G-A.
Other names: short protein forms G311D.
Identifiers: ClinVar variation 862202 (VCV000862202.11), dbSNP rs1015880443, ClinGen allele CA372800143.